The following is an entry in ClinVar:

NM_000257.4(MYH7):c.2163-14A>G

Gene: MYH7 (myosin heavy chain 7; minus strand). Cytogenetic location: 14q11.2.
Variant type: single nucleotide variant.
Coding change: c.2163-14A>G on transcript NM_000257.4 (MANE Select); 14 bases into the intron before coding-DNA position 2163, A replaced by G.
Molecular consequence: intron variant.
Genome position (GRCh38, 1-based): chr14:23,425,832, T>C on the plus strand (A>G on the coding strand, the complement: MYH7 is on the minus strand). VCF-style: chr14-23425832-T-C. GRCh37 (hg19) VCF-style: chr14-23895041-T-C.
Identifiers: ClinVar variation 2159183 (VCV002159183.5), dbSNP rs1193941903, ClinGen allele CA613317747.

ClinVar aggregate classification (germline): Likely benign. Review status: criteria provided, multiple submitters, no conflicts (2 of 4 stars). 2 submissions from 2 submitters: Likely benign (2). Last evaluated 2025-10-10.

Conditions:
Cardiomyopathy (CMYO). Also called: Cardiomyopathies. Identifiers: Orphanet 167848, MedGen C0878544, MONDO:0004994, HP:0001638. Inheritance: Various modes of inheritance.
Hypertrophic cardiomyopathy. Also called: HYPERTROPHIC MYOCARDIOPATHY. Identifiers: Orphanet 217569, MedGen C0007194, MeSH D002312, MONDO:0005045, HP:0001639.

Allele frequency attached by ClinVar (database versions not stated): gnomAD exomes below 0.00001.
gnomAD v4.1: 2 of 1,613,858 alleles (0.00012%); highest among the groups gnomAD compares: East Asian, 0.0022%; no homozygotes.

Submissions (2):

Labcorp Genetics (formerly Invitae), Labcorp
Classification: Likely benign for Hypertrophic cardiomyopathy. Last evaluated: 2025-10-10. Review status: criteria provided, single submitter. Criteria: Invitae Variant Classification Sherloc (09022015). Collection method: clinical testing. Allele origin: germline.

All of Us Research Program, National Institutes of Health
Classification: Likely benign for Cardiomyopathy. Last evaluated: 2023-10-27. Review status: criteria provided, single submitter. Criteria: ACMG Guidelines, 2015. Collection method: clinical testing. Allele origin: germline. Inheritance: Autosomal dominant inheritance. Observed: 1 variant allele, 1 heterozygote.
Comment: This study involves interpretation of variants in research participants for the purpose of population health screening. Participant phenotype was not available at the time of variant classification. Additional details can be found in publication PMID: 35346344, PMCID: PMC8962531